The following is an entry in ClinVar:

ClinVar aggregate classification (germline): Uncertain significance. Review status: criteria provided, multiple submitters, no conflicts (2 of 4 stars). 6 submissions from 6 submitters: Uncertain significance (5). 1 of the submissions does not count toward it. Last evaluated 2024-12-19.

Conditions:
Aplastic anemia. Identifiers: Orphanet 182040, Orphanet 88, MedGen C0002874, MONDO:0015909, OMIM 609135, HP:0001915.
Microcephaly, normal intelligence and immunodeficiency (NBS). Also called: IMMUNODEFICIENCY, MICROCEPHALY, AND CHROMOSOMAL INSTABILITY; SEEMANOVA SYNDROME II; Immunodeficiency, microcephaly with normal intelligence; Ataxia telangiectasia variant V1; Nijmegen breakage syndrome; Microcephaly with normal intelligence immunodeficiency and lymphoreticular malignancies. Identifiers: Orphanet 647, MedGen C0398791, MONDO:0009623, OMIM 251260.
Hereditary cancer-predisposing syndrome. Also called: Hereditary neoplastic syndrome; Neoplastic Syndromes, Hereditary; Tumor predisposition; Hereditary Cancer Syndrome. Identifiers: Orphanet 140162, MedGen C0027672, MeSH D009386, MONDO:0015356.

Allele frequency attached by ClinVar (database versions not stated): gnomAD 0.00001.
gnomAD v4.1: 9 of 1,612,370 alleles (0.00056%); highest among the groups gnomAD compares: Non-Finnish European, 0.00076%; no homozygotes.

Submissions (6):

Ambry Genetics
Classification: Uncertain significance for Hereditary cancer-predisposing syndrome. Last evaluated: 2024-12-19. Review status: criteria provided, single submitter. Criteria: Ambry Variant Classification Scheme 2023. Collection method: clinical testing. Allele origin: germline.
Comment: The p.S117F variant (also known as c.350C>T), located in coding exon 4 of the NBN gene, results from a C to T substitution at nucleotide position 350. The serine at codon 117 is replaced by phenylalanine, an amino acid with highly dissimilar properties. This alteration was detected in 1/5589 German BRCA1/2-negative probands with breast cancer (Hauke J et al. Cancer Med, 2018 04;7:1349-1358). This amino acid position is well conserved in available vertebrate species. In addition, the in silico prediction for this alteration is inconclusive. Since supporting evidence is limited at this time, the clinical significance of this alteration remains unclear.

Baylor Genetics
Classification: Uncertain significance for Aplastic anemia. Last evaluated: 2023-10-01. Review status: criteria provided, single submitter. Criteria: ACMG Guidelines, 2015. Collection method: clinical testing. Allele origin: unknown.

Labcorp Genetics (formerly Invitae), Labcorp
Classification: Uncertain significance for Microcephaly, normal intelligence and immunodeficiency. Last evaluated: 2022-08-25. Review status: criteria provided, single submitter. Criteria: Invitae Variant Classification Sherloc (09022015). Collection method: clinical testing. Allele origin: germline.
Comment: This sequence change replaces serine, which is neutral and polar, with phenylalanine, which is neutral and non-polar, at codon 117 of the NBN protein (p.Ser117Phe). This variant is not present in population databases (gnomAD no frequency). This variant has not been reported in the literature in individuals affected with NBN-related conditions. ClinVar contains an entry for this variant (Variation ID: 411757). Algorithms developed to predict the effect of missense changes on protein structure and function are either unavailable or do not agree on the potential impact of this missense change (SIFT: "Deleterious"; PolyPhen-2: "Probably Damaging"; Align-GVGD: "Class C0"). Studies have shown that this missense change is associated with altered splicing resulting in unknown protein product impact (Invitae). In summary, the available evidence is currently insufficient to determine the role of this variant in disease. Therefore, it has been classified as a Variant of Uncertain Significance.

Genome-Nilou Lab
Classification: Uncertain significance for Microcephaly, normal intelligence and immunodeficiency. Last evaluated: 2021-11-07. Review status: criteria provided, single submitter. Criteria: ACMG Guidelines, 2015. Collection method: clinical testing. Allele origin: germline. Affected: no.

Sema4
Classification: Uncertain significance for Hereditary cancer-predisposing syndrome. Last evaluated: 2021-05-31. Review status: criteria provided, single submitter. Criteria: Sema4 Curation Guidelines. Collection method: curation. Allele origin: germline.
Comment: The NBN c.350C>T (p.S117F) variant has been reported in heterozygosity in at least one pediatric patient with a high-grade glioma (PMID: 26580448). It was not observed in the large and broad cohorts of the Genome Aggregation Database (PMID: 32461654). The variant has been reported in ClinVar (Variation ID: 411757). In silico tools suggest the impact of the variant on protein function is inconclusive, though these predictions have not been confirmed by functional studies. The evidence is insufficient to meet ACMG/AMP criteria for classifying the variant as benign or pathogenic. Thus, the clinical significance of this variant is currently uncertain.

Natera, Inc.
Classification: Uncertain significance for Nijmegen breakage syndrome. Last evaluated: 2020-12-17. Review status: no assertion criteria provided. Collection method: clinical testing. Allele origin: germline. Not counted in ClinVar's aggregate classification.

Literature cited by the submitters: PubMed 29522266 (cited by Ambry Genetics); PubMed 26580448 (cited by Sema4).

NM_002485.5(NBN):c.350C>T (p.Ser117Phe)

Gene: NBN (nibrin; minus strand). Cytogenetic location: 8q21.3.
Variant type: single nucleotide variant.
Coding change: c.350C>T on transcript NM_002485.5 (MANE Select); coding-DNA position 350, C replaced by T.
Protein change: p.Ser117Phe; replaces serine 117 with phenylalanine.
Molecular consequence: missense variant.
Genome position (GRCh38, 1-based): chr8:89,980,864, G>A on the plus strand (C>T on the coding strand, the complement: NBN is on the minus strand). VCF-style: chr8-89980864-G-A. GRCh37 (hg19) VCF-style: chr8-90993092-G-A.
Other names: c.104C>T, p.Ser35Phe (NM_001024688.3); short protein forms S117F, S35F.
Identifiers: ClinVar variation 411757 (VCV000411757.21), dbSNP rs1060503468, ClinGen allele CA16612506.